The following is an entry in ClinVar:

ClinVar aggregate classification (germline): Benign (1 of 4 stars; one submission).

Conditions:
Congenital brain dysgenesis due to glutamine synthetase deficiency (GLND). Also called: GLUTAMINE SYNTHASE DEFICIENCY, CONGENITAL SYSTEMIC. Identifiers: Orphanet 71278, MedGen C1864910, MONDO:0012393, OMIM 610015.

Allele frequency attached by ClinVar (database versions not stated): 1000 Genomes Project 30x 0.00734; gnomAD 0.00776 and 0.00834; TOPMed 0.00830; 1000 Genomes Project 0.00719.

Submission:

Illumina Laboratory Services, Illumina
Classification: Benign for Congenital brain dysgenesis due to glutamine synthetase deficiency. Last evaluated: 2018-01-13. Review status: criteria provided, single submitter. Criteria: ICSL Variant Classification Criteria 13 December 2019. Collection method: clinical testing. Allele origin: germline.
Comment: This variant was observed in the ICSL laboratory as part of a predisposition screen in an ostensibly healthy population. It had not been previously curated by ICSL or reported in the Human Gene Mutation Database (HGMD: prior to June 1st, 2018), and was therefore a candidate for classification through an automated scoring system. Utilizing variant allele frequency, disease prevalence and penetrance estimates, and inheritance mode, an automated score was calculated to assess if this variant is too frequent to cause the disease. Based on the score and internal cut-off values, a variant classified as benign is not then subjected to further curation. The score for this variant resulted in a classification of benign for this disease.

NM_001033044.4(GLUL):c.*966A>G

Gene: GLUL (glutamate-ammonia ligase; minus strand). Cytogenetic location: 1q25.3.
Variant type: single nucleotide variant.
Coding change: c.*966A>G on transcript NM_001033044.4 (MANE Select); 966 bases downstream of the stop codon, A replaced by G.
Molecular consequence: 3 prime UTR variant.
Genome position (GRCh38, 1-based): chr1:182,383,439, T>C on the plus strand (A>G on the coding strand, the complement: GLUL is on the minus strand). VCF-style: chr1-182383439-T-C. GRCh37 (hg19) VCF-style: chr1-182352574-T-C.
Other names: c.*966A>G (NM_001033056.4, NM_002065.7).
Identifiers: ClinVar variation 293923 (VCV000293923.5), dbSNP rs7543200, ClinGen allele CA10608904.